The following is an entry in ClinVar:

ClinVar aggregate classification (germline): Uncertain significance (1 of 4 stars; one submission).

Submission:

ISCA site 17
Classification: Uncertain significance. Last evaluated: 2011-08-12. Review status: criteria provided, single submitter. Criteria: Kaminsky et al. (Genet Med. 2011). Collection method: clinical testing. Allele origin: maternal. Affected: yes. Observed: 1 variant allele.
Comment: Copy number variation identified through the course of routine clinical cytogenomic testing in postnatal populations. Clinical assertions have been curated as described in Kaminsky et al. 2011.

GRCh38/hg38 16p13.12-13.11(chr16:14668382-16100721)x3

Genes: ABCC1 (ATP binding cassette subfamily C member 1 (ABCC1 blood group); plus strand), BFAR (bifunctional apoptosis regulator; plus strand), BMERB1 (bMERB domain containing 1; plus strand), CEP20 (centrosomal protein 20; minus strand), MARF1 (meiosis regulator and mRNA stability factor 1; minus strand) and 42 more. Cytogenetic location: 16p13.12-13.11.
Variant type: copy number gain.
Change: copy number 3 (three copies instead of two) of chr16:14,668,382-16,100,721 (1.43 Mb, GRCh38 coordinates, 1-based), cytogenetic band 16p13.12-13.11.
Identifiers: ClinVar variation 57622 (VCV000057622.1).